The following is an entry in ClinVar:

NM_000038.6(APC):c.2918A>G (p.Tyr973Cys)

Gene: APC (APC regulator of Wnt signaling pathway; plus strand). Cytogenetic location: 5q22.2.
Variant type: single nucleotide variant.
Coding change: c.2918A>G on transcript NM_000038.6 (MANE Select); coding-DNA position 2918, A replaced by G.
Protein change: p.Tyr973Cys; replaces tyrosine 973 with cysteine.
Molecular consequence: missense variant. On other transcripts: non-coding transcript variant (2).
Genome position (GRCh38, 1-based): chr5:112,838,512, A>G. VCF-style: chr5-112838512-A-G. GRCh37 (hg19) VCF-style: chr5-112174209-A-G.
Other names: c.2918A>G, p.Tyr973Cys (NM_001127510.3, NM_001354895.2, NM_001407450.1); c.2864A>G, p.Tyr955Cys (NM_001127511.3); c.2972A>G, p.Tyr991Cys (NM_001354896.2, NM_001407447.1, NM_001407448.1 and 1 more transcripts); c.2948A>G, p.Tyr983Cys (NM_001354897.2); c.2843A>G, p.Tyr948Cys (NM_001354898.2); c.2834A>G, p.Tyr945Cys (NM_001354899.2); c.2795A>G, p.Tyr932Cys (NM_001354900.2); c.2741A>G, p.Tyr914Cys (NM_001354901.2, NM_001407453.1); and 11 more; short protein forms Y1001C, Y589C, Y690C, Y813C, Y844C, Y847C, Y872C, Y882C.
Identifiers: ClinVar variation 3607791 (VCV003607791.2).

ClinVar aggregate classification (germline): Uncertain significance (1 of 4 stars; one submission).

Conditions:
Familial adenomatous polyposis 1 (FAP1). Also called: FAMILIAL ADENOMATOUS POLYPOSIS 1, ATTENUATED; POLYPOSIS, ADENOMATOUS INTESTINAL. Identifiers: MedGen C2713442, MONDO:0021056, OMIM 175100. Disease mechanism: loss of function.

gnomAD v4.1: 1 of 1,614,230 alleles (0.000062%); highest among the groups gnomAD compares: Non-Finnish European, 0.000085%; no homozygotes.

Submission:

Labcorp Genetics (formerly Invitae), Labcorp
Classification: Uncertain significance for Familial adenomatous polyposis 1. Last evaluated: 2025-01-26. Review status: criteria provided, single submitter. Criteria: Invitae Variant Classification Sherloc (09022015). Collection method: clinical testing. Allele origin: germline.
Comment: This sequence change replaces tyrosine, which is neutral and polar, with cysteine, which is neutral and slightly polar, at codon 973 of the APC protein (p.Tyr973Cys). This variant is not present in population databases (gnomAD no frequency). This variant has not been reported in the literature in individuals affected with APC-related conditions. Invitae Evidence Modeling of protein sequence and biophysical properties (such as structural, functional, and spatial information, amino acid conservation, physicochemical variation, residue mobility, and thermodynamic stability) has been performed for this missense variant. However, the output from this modeling did not meet the statistical confidence thresholds required to predict the impact of this variant on APC protein function. In summary, the available evidence is currently insufficient to determine the role of this variant in disease. Therefore, it has been classified as a Variant of Uncertain Significance.